The following is an entry in ClinVar:

ClinVar aggregate classification (germline): Pathogenic (1 of 4 stars; one submission).

Submission:

Labcorp Genetics (formerly Invitae), Labcorp
Classification: Pathogenic. Last evaluated: 2022-11-22. Review status: criteria provided, single submitter. Criteria: Invitae Variant Classification Sherloc (09022015). Collection method: clinical testing. Allele origin: germline.
Comment: This sequence change creates a premature translational stop signal (p.Asn1032Ilefs*6) in the RP1 gene. While this is not anticipated to result in nonsense mediated decay, it is expected to disrupt the last 1125 amino acid(s) of the RP1 protein. This variant has not been reported in the literature in individuals affected with RP1-related conditions. This variant is not present in population databases (gnomAD no frequency). This variant disrupts the C-terminus of the RP1 protein. Many variants that disrupt this region have been reported in individuals with either autosomal dominant or autosomal recessive retinitis pigmentosa (PMID: 11527933, 19933189, 29425069, 30027431, 33681214). Therefore, variants that disrupt this region are expected to be disease-causing. For these reasons, this variant has been classified as Pathogenic.

Literature cited by the submitters: PubMed 11527933; PubMed 19933189; PubMed 29425069; PubMed 30027431; PubMed 33681214.

NM_006269.2(RP1):c.3093_3102del (p.Asn1032fs)

Gene: RP1 (RP1 axonemal microtubule associated; plus strand). Cytogenetic location: 8q12.1.
Variant type: Deletion.
Coding change: c.3093_3102del on transcript NM_006269.2 (MANE Select); coding-DNA positions 3093 to 3102, 10 bases deleted (TAATGATCAT; older notation c.3093_3102delTAATGATCAT).
Protein change: p.Asn1032fs; shifts the reading frame from asparagine 1032.
Molecular consequence: frameshift variant. On other transcripts: intron variant (1).
Genome position (GRCh38, 1-based): chr8:54,626,975-54,626,984, TAATGATCAT deleted; deleting any 10 consecutive bases within chr8:54,626,973-54,626,984 gives the same sequence; the c. name uses the placement nearest the transcript's 3' end. VCF-style (leftmost placement, unchanged base first): chr8-54626972-TATTAATGATC-T. GRCh37 (hg19) VCF-style: chr8-55539532-TATTAATGATC-T.
Other names: c.787+4687_787+4696del (NM_001375654.1); short protein forms N1032fs.
Identifiers: ClinVar variation 2058544 (VCV002058544.4), dbSNP rs2536577860, ClinGen allele CA2580078403.
Genomic context (GRCh38, chr8:54,626,972, plus strand): 5'-ATCTCTGAATGATGCTTATTTGGTTCCCCTGCATGAACACTGTACTTTGTCACAGTCAGC[TATTAATGATC>T]ATAATACTAAAAGTCATATAGCTGCTGAAAAATCAGGACCAGAGAAAAAACTTGTTTACC-3'